The following is an entry in ClinVar:

ClinVar aggregate classification (germline): Uncertain significance (1 of 4 stars; one submission).

Conditions:
Inborn genetic diseases. Identifiers: MedGen C0950123, MeSH D030342.

Submission:

Ambry Genetics
Classification: Uncertain significance for Inborn genetic diseases. Last evaluated: 2025-02-13. Review status: criteria provided, single submitter. Criteria: Ambry Variant Classification Scheme 2023. Collection method: clinical testing. Allele origin: germline.
Comment: The p.S1224F variant (also known as c.3671C>T), located in coding exon 1 of the SAMD9 gene, results from a C to T substitution at nucleotide position 3671. The serine at codon 1224 is replaced by phenylalanine, an amino acid with highly dissimilar properties. This amino acid position is conserved. In addition, this alteration is predicted to be tolerated by in silico analysis. Based on the available evidence, the clinical significance of this variant remains unclear.

NM_017654.4(SAMD9):c.3671C>T (p.Ser1224Phe)

Gene: SAMD9 (sterile alpha motif domain containing 9; minus strand). Cytogenetic location: 7q21.2.
Variant type: single nucleotide variant.
Coding change: c.3671C>T on transcript NM_017654.4 (MANE Select); coding-DNA position 3671, C replaced by T.
Protein change: p.Ser1224Phe; replaces serine 1224 with phenylalanine.
Molecular consequence: missense variant.
Genome position (GRCh38, 1-based): chr7:93,102,427, G>A on the plus strand (C>T on the coding strand, the complement: SAMD9 is on the minus strand). VCF-style: chr7-93102427-G-A. GRCh37 (hg19) VCF-style: chr7-92731740-G-A.
Other names: c.3671C>T, p.Ser1224Phe (NM_001193307.2); short protein forms S1224F.
Identifiers: ClinVar variation 3792085 (VCV003792085.1).
Genomic context (GRCh38, chr7:93,102,427, plus strand): 5'-TTGTTTGGATCCCCTGGAATATCACTACTTCCTGATACAAAATTGACCATATATCTTTTA[G>A]ATAGCTCATTTTTATTATCAAAAAAAGGAATGAGCTGGAGAATTTGGATTGTGTAAAGCC-3'
Protein context (NP_060124.2, residues 1214-1234): IPFFDNKNEL[Ser1224Phe]KRYMVNFVSG